The following is an entry in ClinVar:

NM_006904.7(PRKDC):c.3691C>G (p.Gln1231Glu)

Gene: PRKDC (protein kinase, DNA-activated, catalytic subunit; minus strand). Cytogenetic location: 8q11.21.
Variant type: single nucleotide variant.
Coding change: c.3691C>G on transcript NM_006904.7 (MANE Select); coding-DNA position 3691, C replaced by G.
Protein change: p.Gln1231Glu; replaces glutamine 1231 with glutamic acid.
Molecular consequence: missense variant.
Genome position (GRCh38, 1-based): chr8:47,893,295, G>C on the plus strand (C>G on the coding strand, the complement: PRKDC is on the minus strand). VCF-style: chr8-47893295-G-C. GRCh37 (hg19) VCF-style: chr8-48805855-G-C.
Other names: c.3691C>G, p.Gln1231Glu (NM_001081640.2); short protein forms Q1231E.
Identifiers: ClinVar variation 1398406 (VCV001398406.5), dbSNP rs906781571, ClinGen allele CA176152490.

ClinVar aggregate classification (germline): Uncertain significance. Review status: criteria provided, multiple submitters, no conflicts (2 of 4 stars). 2 submissions from 2 submitters: Uncertain significance (2). Last evaluated 2022-10-17.

Conditions:
Severe combined immunodeficiency due to DNA-PKcs deficiency. Also called: IMMUNODEFICIENCY 26 WITH NEUROLOGIC ABNORMALITIES; Immunodeficiency 26 with or without neurologic abnormalities. Identifiers: Orphanet 317425, MedGen C4014833, MONDO:0014423, OMIM 615966.

Allele frequency attached by ClinVar (database versions not stated): gnomAD exomes below 0.00001 and 0.00002.
gnomAD v4.1: 30 of 1,609,220 alleles (0.0019%); highest among the groups gnomAD compares: Non-Finnish European, 0.0025%; no homozygotes.

Submissions (2):

Labcorp Genetics (formerly Invitae), Labcorp
Classification: Uncertain significance for Severe combined immunodeficiency due to DNA-PKcs deficiency. Last evaluated: 2022-10-17. Review status: criteria provided, single submitter. Criteria: Invitae Variant Classification Sherloc (09022015). Collection method: clinical testing. Allele origin: germline.
Comment: This sequence change replaces glutamine with glutamic acid at codon 1231 of the PRKDC protein (p.Gln1231Glu). The glutamine residue is weakly conserved and there is a small physicochemical difference between glutamine and glutamic acid. This variant is present in population databases (no rsID available, gnomAD 0.0009%). This variant has not been reported in the literature in individuals affected with PRKDC-related conditions. ClinVar contains an entry for this variant (Variation ID: 1398406). Experimental studies and prediction algorithms are not available or were not evaluated, and the functional significance of this variant is currently unknown. In summary, the available evidence is currently insufficient to determine the role of this variant in disease. Therefore, it has been classified as a Variant of Uncertain Significance.

Ambry Genetics
Classification: Uncertain significance. Last evaluated: 2021-08-21. Review status: criteria provided, single submitter. Criteria: Ambry Variant Classification Scheme 2023. Collection method: clinical testing. Allele origin: germline.
Comment: The p.Q1231E variant (also known as c.3691C>G), located in coding exon 31 of the PRKDC gene, results from a C to G substitution at nucleotide position 3691. The glutamine at codon 1231 is replaced by glutamic acid, an amino acid with highly similar properties. This amino acid position is conserved. In addition, this alteration is predicted to be tolerated by in silico analysis. Since supporting evidence is limited at this time, the clinical significance of this alteration remains unclear.